The following is an entry in ClinVar:

ClinVar aggregate classification (germline): Pathogenic (1 of 4 stars; one submission).

Submission:

Labcorp Genetics (formerly Invitae), Labcorp
Classification: Pathogenic. Last evaluated: 2025-04-28. Review status: criteria provided, single submitter. Criteria: Invitae Variant Classification Sherloc (09022015). Collection method: clinical testing. Allele origin: germline.
Comment: This sequence change creates a premature translational stop signal (p.Gln389Argfs*55) in the CACNA1F gene. It is expected to result in an absent or disrupted protein product. Loss-of-function variants in CACNA1F are known to be pathogenic (PMID: 9662399, 11281458, 17525176, 22194652, 24124559, 26992781). This variant is not present in population databases (gnomAD no frequency). This variant has not been reported in the literature in individuals affected with CACNA1F-related conditions. For these reasons, this variant has been classified as Pathogenic.

Literature cited by the submitters: PubMed 9662399; PubMed 11281458; PubMed 17525176; PubMed 22194652; PubMed 24124559; PubMed 26992781.

NM_001256789.3(CACNA1F):c.1165del (p.Gln389fs)

Gene: CACNA1F (calcium voltage-gated channel subunit alpha1 F; minus strand). Cytogenetic location: Xp11.23.
Variant type: Deletion.
Coding change: c.1165del on transcript NM_001256789.3 (MANE Select); coding-DNA position 1165, one base deleted (C; older notation c.1165delC).
Protein change: p.Gln389fs; shifts the reading frame from glutamine 389.
Molecular consequence: frameshift variant.
Genome position (GRCh38, 1-based): chrX:49,227,081, G deleted on the plus strand (C on the coding strand, the reverse complement: CACNA1F is on the minus strand); the first of 2 consecutive G bases (chrX:49,227,081-49,227,082); deleting either gives the same sequence. VCF-style (leftmost placement, unchanged base first): chrX-49227080-TG-T. GRCh37 (hg19) VCF-style: chrX-49083542-TG-T.
Other names: c.970del, p.Gln324fs (NM_001256790.3); c.1165del, p.Gln389fs (NM_005183.4); short protein forms Q324fs, Q389fs.
Identifiers: ClinVar variation 4718534 (VCV004718534.1).